The following is an entry in ClinVar:

ClinVar aggregate classification (germline): Uncertain significance (1 of 4 stars; one submission).

Submission:

Labcorp Genetics (formerly Invitae), Labcorp
Classification: Uncertain significance. Last evaluated: 2025-04-13. Review status: criteria provided, single submitter. Criteria: Invitae Variant Classification Sherloc (09022015). Collection method: clinical testing. Allele origin: germline.
Comment: This sequence change replaces tyrosine, which is neutral and polar, with histidine, which is basic and polar, at codon 131 of the PLA2G5 protein (p.Tyr131His). This variant is not present in population databases (gnomAD no frequency). This variant has not been reported in the literature in individuals affected with PLA2G5-related conditions. An algorithm developed to predict the effect of missense changes on protein structure and function (PolyPhen-2) suggests that this variant is likely to be disruptive. In summary, the available evidence is currently insufficient to determine the role of this variant in disease. Therefore, it has been classified as a Variant of Uncertain Significance.

NM_000929.3(PLA2G5):c.391T>C (p.Tyr131His)

Gene: PLA2G5 (phospholipase A2 group V; plus strand). Cytogenetic location: 1p36.13.
Variant type: single nucleotide variant.
Coding change: c.391T>C on transcript NM_000929.3 (MANE Select); coding-DNA position 391, T replaced by C.
Protein change: p.Tyr131His; replaces tyrosine 131 with histidine.
Molecular consequence: missense variant.
Genome position (GRCh38, 1-based): chr1:20,090,666, T>C. VCF-style: chr1-20090666-T-C. GRCh37 (hg19) VCF-style: chr1-20417159-T-C.
Other names: short protein forms Y131H.
Identifiers: ClinVar variation 4702000 (VCV004702000.1).